The following is an entry in ClinVar:

ClinVar aggregate classification (germline): Likely benign. Review status: criteria provided, multiple submitters, no conflicts (2 of 4 stars). 3 submissions from 3 submitters: Likely benign (3). Last evaluated 2025-06-01.

Allele frequency attached by ClinVar (database versions not stated): ESP Exome Variant Server 0.00008; gnomAD 0.00008 and 0.00009; gnomAD exomes 0.00011 and 0.00016; TOPMed 0.00011; ExAC 0.00032.
gnomAD v4.1: 169 of 1,595,534 alleles (0.011%); highest among the groups gnomAD compares: South Asian, 0.058%; 1 homozygote.

Submissions (3):

CeGaT Center for Human Genetics Tuebingen
Classification: Likely benign. Last evaluated: 2025-06-01. Review status: criteria provided, single submitter. Criteria: CeGaT Center For Human Genetics Tuebingen Variant Classification Criteria Version 2. Collection method: clinical testing. Allele origin: germline. Affected: yes. Observed: 1 variant allele.
Comment: CACNA1G: BP4

Labcorp Genetics (formerly Invitae), Labcorp
Classification: Likely benign. Last evaluated: 2025-02-04. Review status: criteria provided, single submitter. Criteria: Invitae Variant Classification Sherloc (09022015). Collection method: clinical testing. Allele origin: germline.

Blueprint Genetics
Classification: Likely benign. Last evaluated: 2024-11-06. Review status: criteria provided, single submitter. Criteria: ACMG Guidelines, 2015. Collection method: clinical testing. Allele origin: germline.

NM_018896.5(CACNA1G):c.2487C>T (p.Gly829=)

Gene: CACNA1G (calcium voltage-gated channel subunit alpha1 G; plus strand). Cytogenetic location: 17q21.33.
Variant type: single nucleotide variant.
Coding change: c.2487C>T on transcript NM_018896.5 (MANE Select); coding-DNA position 2487, C replaced by T.
Protein change: p.Gly829=; no amino-acid change (glycine 829 retained).
Molecular consequence: synonymous variant. On other transcripts: non-coding transcript variant (5).
Genome position (GRCh38, 1-based): chr17:50,591,468, C>T. VCF-style: chr17-50591468-C-T. GRCh37 (hg19) VCF-style: chr17-48668829-C-T.
Other names: c.2487C>T, p.Gly829= (NM_001256324.2, NM_001256325.2, NM_001256326.2 and 24 more transcripts).
Identifiers: ClinVar variation 708558 (VCV000708558.19), dbSNP rs370154247, ClinGen allele CA8652441.